The following is an entry in ClinVar:

NM_000061.3(BTK):c.1064T>A (p.Ile355Asn)

Gene: BTK (Bruton tyrosine kinase; minus strand). Cytogenetic location: Xq22.1.
Variant type: single nucleotide variant.
Coding change: c.1064T>A on transcript NM_000061.3 (MANE Select); coding-DNA position 1064, T replaced by A.
Protein change: p.Ile355Asn; replaces isoleucine 355 with asparagine.
Molecular consequence: missense variant. On other transcripts: intron variant (1).
Genome position (GRCh38, 1-based): chrX:101,358,348, A>T on the plus strand (T>A on the coding strand, the complement: BTK is on the minus strand). VCF-style: chrX-101358348-A-T. GRCh37 (hg19) VCF-style: chrX-100613336-A-T.
Other names: c.1166T>A, p.Ile389Asn (NM_001287344.2); c.1038+26T>A (NM_001287345.2); short protein forms I355N, I389N.
Identifiers: ClinVar variation 372311 (VCV000372311.1), dbSNP rs1057517709, ClinGen allele CA16043167.

ClinVar aggregate classification (germline): Pathogenic (1 of 4 stars; one submission).

Submission:

GeneDx
Classification: Pathogenic. Last evaluated: 2016-10-25. Review status: criteria provided, single submitter. Criteria: GeneDx Variant Classification (06012015). Collection method: clinical testing. Allele origin: germline. Affected: yes.
Comment: The I355N variant lies in the SH2 domain of the BTK protein and has been reported previously in patients with XLA (Toth et al., 2009; Wang et al., 2009; Singh et al., 2016). It was not observed in approximately 6,500 individuals of European and African American ancestry in the NHLBI Exome Sequencing Project, indicating it is not a common benign variant in these populations. I355N is a non-conservative amino acid substitution, which is likely to impact secondary protein structure as these residues differ in polarity, charge, size and/or other properties. This substitution occurs at a position that is conserved across species and in silico analysis predicts this variant is probably damaging to the protein structure/function. Missense variants at the same codon (I355T) and in nearby residues (by residues (H350D, L358F, and I359S) have been reported in the Human Gene Mutation Database in association with agammaglobulinemia (Stenson et al., 2014), supporting the functional importance of this region of the protein.